The following is an entry in ClinVar:

ClinVar aggregate classification (germline): Uncertain significance. Review status: criteria provided, multiple submitters, no conflicts (2 of 4 stars). 3 submissions from 3 submitters: Uncertain significance (3). Last evaluated 2025-10-08.

Conditions:
Cardiovascular phenotype. Identifiers: MedGen CN230736.
Catecholaminergic polymorphic ventricular tachycardia (CVPT). Also called: Catecholamine-induced polymorphic ventricular tachycardia. Identifiers: Orphanet 3286, MedGen C5574922, MONDO:0017990.
Catecholaminergic polymorphic ventricular tachycardia 1. Also called: RYR2-Related Catecholaminergic Polymorphic Ventricular Tachycardia; VENTRICULAR TACHYCARDIA, STRESS-INDUCED POLYMORPHIC 1; VENTRICULAR TACHYCARDIA, CATECHOLAMINERGIC POLYMORPHIC, 1, WITH OR WITHOUT ATRIAL DYSFUNCTION AND/OR DILATED CARDIOMYOPATHY. Identifiers: Orphanet 3286, MedGen C1631597, MONDO:0011484, OMIM 604772.

Allele frequency attached by ClinVar (database versions not stated): gnomAD 0.00001; gnomAD exomes 0.00001 and 0.00002; TOPMed 0.00002.
gnomAD v4.1: 8 of 1,442,440 alleles (0.00055%); highest among the groups gnomAD compares: African/African-American, 0.0014%; no homozygotes.

Submissions (3):

Labcorp Genetics (formerly Invitae), Labcorp
Classification: Uncertain significance for Catecholaminergic polymorphic ventricular tachycardia 1. Last evaluated: 2025-10-08. Review status: criteria provided, single submitter. Criteria: Invitae Variant Classification Sherloc (09022015). Collection method: clinical testing. Allele origin: germline.
Comment: This sequence change replaces arginine, which is basic and polar, with histidine, which is basic and polar, at codon 2806 of the RYR2 protein (p.Arg2806His). The frequency data for this variant in the population databases is considered unreliable, as metrics indicate poor data quality at this position in the gnomAD database. This variant has not been reported in the literature in individuals affected with RYR2-related conditions. ClinVar contains an entry for this variant (Variation ID: 651150). Invitae Evidence Modeling of protein sequence and biophysical properties (such as structural, functional, and spatial information, amino acid conservation, physicochemical variation, residue mobility, and thermodynamic stability) indicates that this missense variant is not expected to disrupt RYR2 protein function with a negative predictive value of 95%. In summary, the available evidence is currently insufficient to determine the role of this variant in disease. Therefore, it has been classified as a Variant of Uncertain Significance.

All of Us Research Program, National Institutes of Health
Classification: Uncertain significance for Catecholaminergic polymorphic ventricular tachycardia. Last evaluated: 2024-05-14. Review status: criteria provided, single submitter. Criteria: ACMG Guidelines, 2015. Collection method: clinical testing. Allele origin: germline. Inheritance: Autosomal dominant inheritance. Observed: 1 variant allele, 1 heterozygote.
Comment: This missense variant replaces arginine with histidine at codon 2806 of the RYR2 protein. Computational prediction is inconclusive regarding the impact of this variant on protein structure and function (internally defined REVEL score threshold 0.5 < inconclusive < 0.7, PMID: 27666373). To our knowledge, functional studies have not been reported for this variant. This variant has not been reported in individuals affected with RYR2-related disorders in the literature. This variant has been identified in 2/116218 chromosomes in the general population by the Genome Aggregation Database (gnomAD). The available evidence is insufficient to determine the role of this variant in disease conclusively. Therefore, this variant is classified as a Variant of Uncertain Significance.

This study involves interpretation of variants in research participants for the purpose of population health screening. Participant phenotype was not available at the time of variant classification. Additional details can be found in publication PMID: 35346344, PMCID: PMC8962531

Ambry Genetics
Classification: Uncertain significance for Cardiovascular phenotype. Last evaluated: 2020-08-13. Review status: criteria provided, single submitter. Criteria: Ambry Variant Classification Scheme 2023. Collection method: clinical testing. Allele origin: germline.
Comment: The p.R2806H variant (also known as c.8417G>A), located in coding exon 56 of the RYR2 gene, results from a G to A substitution at nucleotide position 8417. The arginine at codon 2806 is replaced by histidine, an amino acid with highly similar properties. This amino acid position is highly conserved in available vertebrate species. In addition, the in silico prediction for this alteration is inconclusive. Since supporting evidence is limited at this time, the clinical significance of this alteration remains unclear.

NM_001035.3(RYR2):c.8417G>A (p.Arg2806His)

Gene: RYR2 (ryanodine receptor 2; plus strand). Cytogenetic location: 1q43.
Variant type: single nucleotide variant.
Coding change: c.8417G>A on transcript NM_001035.3 (MANE Select); coding-DNA position 8417, G replaced by A.
Protein change: p.Arg2806His; replaces arginine 2806 with histidine.
Molecular consequence: missense variant.
Genome position (GRCh38, 1-based): chr1:237,660,928, G>A. VCF-style: chr1-237660928-G-A. GRCh37 (hg19) VCF-style: chr1-237824228-G-A.
Other names: c.8417G>A, p.Arg2806His (LRG_402t1); short protein forms R2806H.
Identifiers: ClinVar variation 651150 (VCV000651150.11), dbSNP rs955927781, ClinGen allele CA39806059.